The following is an entry in ClinVar:

NM_181523.3(PIK3R1):c.1624AGA[2] (p.Arg544del)

Gene: PIK3R1 (phosphoinositide-3-kinase regulatory subunit 1; plus strand). Cytogenetic location: 5q13.1.
Variant type: Microsatellite.
Coding change: c.1624AGA[2] on transcript NM_181523.3 (MANE Select); two copies in a row of the 3-base unit AGA starting at c.1624; the reference has three copies in a row; one copy, 3 bases deleted.
Protein change: p.Arg544del; deletes arginine 544.
Molecular consequence: inframe deletion.
Genome position (GRCh38, 1-based): chr5:68,295,209-68,295,211, AGA deleted; deleting any 3 consecutive bases within chr5:68,295,203-68,295,211 gives the same sequence; the position shown is the placement nearest the transcript's 3' end. VCF-style (leftmost placement, unchanged base first): chr5-68295202-TAGA-T. GRCh37 (hg19) VCF-style: chr5-67591030-TAGA-T.
Other names: c.1630_1632delAGA (NM_181523.2); c.535AGA[2], p.Arg181del (NM_001242466.2); c.814AGA[2], p.Arg274del (NM_181504.4); c.724AGA[2], p.Arg244del (NM_181524.2); short protein forms R181del, R244del, R274del, R544del.
Identifiers: ClinVar variation 4086691 (VCV004086691.2).
Genomic context (GRCh38, chr5:68,295,202, plus strand): 5'-CTGCAGGATTATGCATAATTATGATAAGTTGAAGTCTCGAATCAGTGAAATTATTGACAG[TAGA>T]AGAAGATTGGAAGAAGACTTGAAGAAGCAGGCAGCTGAGTATCGAGAAATTGACAAACGT-3'

ClinVar aggregate classification (germline): Uncertain significance. Review status: criteria provided, multiple submitters, no conflicts (2 of 4 stars). 2 submissions from 2 submitters: Uncertain significance (2). Last evaluated 2026-01-29.

Conditions:
Inborn genetic diseases. Identifiers: MedGen C0950123, MeSH D030342.

Submissions (2):

Ambry Genetics
Classification: Uncertain significance for Inborn genetic diseases. Last evaluated: 2026-01-29. Review status: criteria provided, single submitter. Criteria: Ambry Variant Classification Scheme 2023. Collection method: clinical testing. Allele origin: germline.
Comment: The c.1630_1632delAGA (p.R544del) alteration, located in exon 13 (coding exon 12) of the PIK3R1 gene, consists of an in-frame deletion of 3 nucleotides at positions c.1630 to c.1632. This results in the deletion of an arginine residue at codon 544. This variant was not reported in population-based cohorts in the Genome Aggregation Database (gnomAD). This amino acid position is highly conserved in available vertebrate species. This alteration is predicted to be deleterious by in silico analysis (Choi, 2012). Based on insufficient or conflicting evidence, the clinical significance of this alteration remains unclear.

GeneDx
Classification: Uncertain significance. Last evaluated: 2025-03-19. Review status: criteria provided, single submitter. Criteria: GeneDx Variant Classification Process June 2021. Collection method: clinical testing. Allele origin: germline. Affected: yes.
Comment: Not observed at significant frequency in large population cohorts (gnomAD); In-frame deletion of 1 amino acid(s) in a non-repeat region; In silico analysis supports a deleterious effect on protein structure/function; Has not been previously published as pathogenic or benign to our knowledge